The following is an entry in ClinVar:

ClinVar aggregate classification (germline): Conflicting classifications of pathogenicity. Review status: criteria provided, conflicting classifications (1 of 4 stars). 3 submissions from 3 submitters: Uncertain significance (2); Likely benign (1). Last evaluated 2026-06-10.

Conditions:
Charcot-Marie-Tooth disease axonal type 2O. Also called: Charcot-Marie-Tooth disease, axonal, type 20; CHARCOT-MARIE-TOOTH NEUROPATHY, AXONAL, TYPE 2O; CHARCOT-MARIE-TOOTH DISEASE, AXONAL, AUTOSOMAL DOMINANT, TYPE 2O; Charcot-Marie-Tooth Neuropathy Type 2O. Identifiers: Orphanet 284232, MedGen C3280220, MONDO:0013644, OMIM 614228.
Inborn genetic diseases. Identifiers: MedGen C0950123, MeSH D030342.

gnomAD v4.1: 4 of 1,613,862 alleles (0.00025%); highest among the groups gnomAD compares: Non-Finnish European, 0.00034%; no homozygotes.

Submissions (3):

Ambry Genetics
Classification: Uncertain significance for Inborn genetic diseases. Last evaluated: 2026-06-10. Review status: criteria provided, single submitter. Criteria: Ambry Variant Classification Scheme 2023. Collection method: clinical testing. Allele origin: germline.

Women's Health and Genetics/Laboratory Corporation of America, LabCorp
Classification: Uncertain significance. Last evaluated: 2025-11-26. Review status: criteria provided, single submitter. Criteria: LabCorp Variant Classification Summary - May 2015. Collection method: clinical testing. Allele origin: germline.
Comment: Variant summary: DYNC1H1 c.6229G>A (p.Asp2077Asn) results in a conservative amino acid change in the encoded protein sequence. Algorithms developed to predict the effect of missense changes on protein structure and function are either unavailable or do not agree on the potential impact of this missense change. The variant allele was found at a frequency of 4e-06 in 250930 control chromosomes. The available data on variant occurrences in the general population are insufficient to allow any conclusion about variant significance. To our knowledge, no occurrence of c.6229G>A in individuals affected with DYNC1H1-related conditions and no experimental evidence demonstrating its impact on protein function have been reported. ClinVar contains an entry for this variant (Variation ID: 3710254). Based on the evidence outlined above, the variant was classified as uncertain significance.

Labcorp Genetics (formerly Invitae), Labcorp
Classification: Likely benign for Charcot-Marie-Tooth disease axonal type 2O. Last evaluated: 2024-11-04. Review status: criteria provided, single submitter. Criteria: Invitae Variant Classification Sherloc (09022015). Collection method: clinical testing. Allele origin: germline.

NM_001376.5(DYNC1H1):c.6229G>A (p.Asp2077Asn)

Gene: DYNC1H1 (dynein cytoplasmic 1 heavy chain 1; plus strand). Cytogenetic location: 14q32.31.
Variant type: single nucleotide variant.
Coding change: c.6229G>A on transcript NM_001376.5 (MANE Select); coding-DNA position 6229, G replaced by A.
Protein change: p.Asp2077Asn; replaces aspartic acid 2077 with asparagine.
Molecular consequence: missense variant.
Genome position (GRCh38, 1-based): chr14:102,010,283, G>A. VCF-style: chr14-102010283-G-A. GRCh37 (hg19) VCF-style: chr14-102476620-G-A.
Other names: short protein forms D2077N.
Identifiers: ClinVar variation 3710254 (VCV003710254.4).